The following is an entry in ClinVar:

NM_000182.5(HADHA):c.1325A>T (p.Asp442Val)

Genes: GAREM2 (GRB2 associated regulator of MAPK1 subtype 2; plus strand), HADHA (hydroxyacyl-CoA dehydrogenase trifunctional multienzyme complex subunit alpha; minus strand). Cytogenetic location: 2p23.3.
Variant type: single nucleotide variant.
Coding change: c.1325A>T on transcript NM_000182.5 (MANE Select); coding-DNA position 1325, A replaced by T.
Protein change: p.Asp442Val; replaces aspartic acid 442 with valine.
Molecular consequence: missense variant.
Genome position (GRCh38, 1-based): chr2:26,201,216, T>A on the plus strand (A>T on the coding strand, the complement: HADHA is on the minus strand). VCF-style: chr2-26201216-T-A. GRCh37 (hg19) VCF-style: chr2-26424085-T-A.
Other names: short protein forms D442V.
Identifiers: ClinVar variation 1328206 (VCV001328206.4), dbSNP rs751092349, ClinGen allele CA1559616.
Genomic context (GRCh38, chr2:26,201,216, plus strand): 5'-ACTTCCTTTAGCACTCTGTGCTTAAGACTAAGGTCCTCAAACACAGCTTCAATCACCATG[T>A]CGGCCTTTTCAAAACCTTGGTAATCAAGCTGCCCAGTCAAGTTGCTGAAGATGGAATCCC-3'
Protein context (NP_000173.2, residues 432-452): QLDYQGFEKA[Asp442Val]MVIEAVFEDL

ClinVar aggregate classification (germline): Uncertain significance. Review status: criteria provided, single submitter (1 of 4 stars). 3 submissions from 3 submitters: Uncertain significance (1). 2 of the submissions do not count toward it. Last evaluated 2022-07-02.

Conditions:
Mitochondrial trifunctional protein deficiency. Identifiers: Orphanet 746, MedGen C1969443, MONDO:0012172.
Long chain 3-hydroxyacyl-CoA dehydrogenase deficiency. Also called: Deficiency of long-chain 3-hydroxyacyl-coenzyme A dehydrogenase; LCHAD Deficiency. Identifiers: Orphanet 5, MedGen C3711645, MONDO:0012173, OMIM 609016.

Allele frequency attached by ClinVar (database versions not stated): ExAC 0.00001; gnomAD 0.00001; gnomAD exomes 0.00001 and 0.00002.
gnomAD v4.1: 28 of 1,613,708 alleles (0.0017%); highest among the groups gnomAD compares: Non-Finnish European, 0.0024%; no homozygotes.

Submissions (3):

Labcorp Genetics (formerly Invitae), Labcorp
Classification: Uncertain significance for Mitochondrial trifunctional protein deficiency; Long chain 3-hydroxyacyl-CoA dehydrogenase deficiency. Last evaluated: 2022-07-02. Review status: criteria provided, single submitter. Criteria: Invitae Variant Classification Sherloc (09022015). Collection method: clinical testing. Allele origin: germline.
Comment: This sequence change replaces aspartic acid, which is acidic and polar, with valine, which is neutral and non-polar, at codon 442 of the HADHA protein (p.Asp442Val). This variant is present in population databases (rs751092349, gnomAD 0.002%). This variant has not been reported in the literature in individuals affected with HADHA-related conditions. ClinVar contains an entry for this variant (Variation ID: 1328206). Advanced modeling of protein sequence and biophysical properties (such as structural, functional, and spatial information, amino acid conservation, physicochemical variation, residue mobility, and thermodynamic stability) performed at Invitae indicates that this missense variant is expected to disrupt HADHA protein function. In summary, the available evidence is currently insufficient to determine the role of this variant in disease. Therefore, it has been classified as a Variant of Uncertain Significance.

Clinical Genetics DNA and cytogenetics Diagnostics Lab, Erasmus MC, Erasmus Medical Center
Classification: Uncertain significance. Review status: no assertion criteria provided. Collection method: clinical testing. Allele origin: germline. Affected: yes. Study: VKGL Data-share Consensus. Not counted in ClinVar's aggregate classification.

Diagnostic Laboratory, Department of Genetics, University Medical Center Groningen
Classification: Uncertain significance. Review status: no assertion criteria provided. Collection method: clinical testing. Allele origin: germline. Affected: yes. Study: VKGL Data-share Consensus. Not counted in ClinVar's aggregate classification.